The following is an entry in ClinVar:

ClinVar aggregate classification (germline): Uncertain significance. Review status: criteria provided, multiple submitters, no conflicts (2 of 4 stars). 4 submissions from 4 submitters: Uncertain significance (4). Last evaluated 2024-06-05.

Conditions:
CATSPER2-related condition.

Allele frequency attached by ClinVar (database versions not stated): ExAC 0.00007; ESP Exome Variant Server 0.00008; gnomAD exomes 0.00008; gnomAD 0.00014; TOPMed 0.00019; 1000 Genomes Project 0.00020; 1000 Genomes Project 30x 0.00031.

Submissions (4):

Blueprint Genetics
Classification: Uncertain significance. Last evaluated: 2024-06-05. Review status: criteria provided, single submitter. Criteria: ACMG Guidelines, 2015. Collection method: clinical testing. Allele origin: germline.

Department of Pathology and Laboratory Medicine, Sinai Health System
Classification: Uncertain significance for CATSPER2-related condition. Last evaluated: 2023-01-10. Review status: criteria provided, single submitter. Criteria: ACMG Guidelines, 2015. Collection method: research. Allele origin: germline.

Revvity Omics, Revvity
Classification: Uncertain significance. Last evaluated: 2022-09-06. Review status: criteria provided, single submitter. Criteria: ACMG Guidelines, 2015. Collection method: clinical testing. Allele origin: germline.

GeneDx
Classification: Uncertain significance. Last evaluated: 2018-03-09. Review status: criteria provided, single submitter. Criteria: GeneDx Variant Classification (06012015). Collection method: clinical testing. Allele origin: germline. Affected: yes.
Comment: The R498X variant in the CATSPER2 gene has not been reported previously as a pathogenic variant nor as a benign variant, to our knowledge. This variant is predicted to cause loss of normal protein function either through protein truncation or nonsense-mediated mRNA decay. However, to date, only gross deletions of the CATSPER2 gene have been reported in association with human disease. The R498X variant is observed in 19/277,114 total alleles in large population cohorts (Lek et al., 2016). We interpret R498X as a variant of uncertain significance.

NM_172095.4(CATSPER2):c.1492C>T (p.Arg498Ter)

Gene: CATSPER2 (cation channel sperm associated 2; minus strand). Cytogenetic location: 15q15.3.
Variant type: single nucleotide variant.
Coding change: c.1492C>T on transcript NM_172095.4 (MANE Select); coding-DNA position 1492, C replaced by T.
Protein change: p.Arg498Ter; replaces arginine 498 with a stop codon.
Molecular consequence: nonsense. On other transcripts: non-coding transcript variant (2).
Genome position (GRCh38, 1-based): chr15:43,632,268, G>A on the plus strand (C>T on the coding strand, the complement: CATSPER2 is on the minus strand). VCF-style: chr15-43632268-G-A. GRCh37 (hg19) VCF-style: chr15-43924466-G-A.
Other names: c.1486C>T, p.Arg496Ter (NM_001282309.3); c.1504C>T, p.Arg502Ter (NM_001282310.2); short protein forms R498*, R502*, R496*.
Identifiers: ClinVar variation 523804 (VCV000523804.6), dbSNP rs377026307, ClinGen allele CA7528547.